The following is an entry in ClinVar:

ClinVar aggregate classification (germline): Conflicting classifications of pathogenicity. Review status: criteria provided, conflicting classifications (1 of 4 stars). 7 submissions from 7 submitters: Pathogenic (1); Likely pathogenic (3); Uncertain significance (2). 1 of the submissions does not count toward it. Last evaluated 2025-06-20.

Conditions:
Polycystic kidney disease 4 (PKD4). Also called: POLYCYSTIC KIDNEY DISEASE 4 WITH OR WITHOUT POLYCYSTIC LIVER DISEASE; PKD3; Autosomal Recessive Polycystic Kidney Disease – PKHD1; POLYCYSTIC KIDNEY AND HEPATIC DISEASE 1; POLYCYSTIC KIDNEY DISEASE, INFANTILE, TYPE I. Identifiers: MedGen C4540575, MONDO:0033004, OMIM 263200.
Autosomal recessive polycystic kidney disease (ARPKD). Also called: AR polycystic kidney disease. Identifiers: Orphanet 731, Orphanet 8378, MedGen C0085548, MeSH D017044, MONDO:0009889.

Allele frequency attached by ClinVar (database versions not stated): gnomAD 0.00001; gnomAD exomes 0.00001 and below 0.00001; TOPMed 0.00001; ESP Exome Variant Server 0.00015.
gnomAD v4.1: 14 of 1,613,788 alleles (0.00087%); highest among the groups gnomAD compares: Admixed American, 0.0033%; no homozygotes.

Submissions (7):

Women's Health and Genetics/Laboratory Corporation of America, LabCorp
Classification: Uncertain significance. Last evaluated: 2025-06-20. Review status: criteria provided, single submitter. Criteria: LabCorp Variant Classification Summary - May 2015. Collection method: clinical testing. Allele origin: germline.
Comment: Variant summary: PKHD1 c.1748G>A (p.Cys583Tyr) results in a non-conservative amino acid change in the encoded protein sequence. Algorithms developed to predict the effect of missense changes on protein structure and function all suggest that this variant is likely to be disruptive. The variant allele was found at a frequency of 4e-06 in 251060 control chromosomes. c.1748G>A has been observed in individuals affected with Polycystic kidney disease (Internal data). These data indicate that the variant may be associated with disease. To our knowledge, no experimental evidence demonstrating an impact on protein function has been reported. ClinVar contains an entry for this variant (Variation ID: 654032). Based on the evidence outlined above, the variant was classified as VUS-possibly pathogenic.

GeneDx
Classification: Likely pathogenic. Last evaluated: 2024-09-25. Review status: criteria provided, single submitter. Criteria: GeneDx Variant Classification Process June 2021. Collection method: clinical testing. Allele origin: germline. Affected: yes.
Comment: Not observed at significant frequency in large population cohorts (gnomAD); In silico analysis supports that this missense variant has a deleterious effect on protein structure/function; Has not been previously published as pathogenic or benign to our knowledge

Fulgent Genetics
Classification: Likely pathogenic for Polycystic kidney disease 4. Last evaluated: 2024-03-20. Review status: criteria provided, single submitter. Criteria: ACMG Guidelines, 2015. Collection method: clinical testing. Allele origin: germline.

Labcorp Genetics (formerly Invitae), Labcorp
Classification: Pathogenic for Autosomal recessive polycystic kidney disease. Last evaluated: 2024-02-13. Review status: criteria provided, single submitter. Criteria: Invitae Variant Classification Sherloc (09022015). Collection method: clinical testing. Allele origin: germline.
Comment: This sequence change replaces cysteine, which is neutral and slightly polar, with tyrosine, which is neutral and polar, at codon 583 of the PKHD1 protein (p.Cys583Tyr). This variant is present in population databases (rs369292828, gnomAD 0.003%). This missense change has been observed in individual(s) with clinical features of polycystic kidney disease (Invitae). In at least one individual the data is consistent with being in trans (on the opposite chromosome) from a pathogenic variant. ClinVar contains an entry for this variant (Variation ID: 654032). Advanced modeling of protein sequence and biophysical properties (such as structural, functional, and spatial information, amino acid conservation, physicochemical variation, residue mobility, and thermodynamic stability) performed at Invitae indicates that this missense variant is expected to disrupt PKHD1 protein function with a positive predictive value of 95%. For these reasons, this variant has been classified as Pathogenic.

Mendelics
Classification: Likely pathogenic for Polycystic kidney disease 4. Last evaluated: 2019-05-28. Review status: criteria provided, single submitter. Criteria: Mendelics Assertion Criteria 2017. Collection method: clinical testing. Allele origin: unknown.

MVZ Martinsried, Medicover Genetics
Classification: Uncertain significance for Polycystic kidney disease 4. Last evaluated: 2019-05-21. Review status: criteria provided, single submitter. Criteria: ACMG Guidelines, 2015. Collection method: clinical testing. Allele origin: unknown. Affected: yes.

Natera, Inc.
Classification: Uncertain significance for Autosomal recessive polycystic kidney disease. Last evaluated: 2018-12-18. Review status: no assertion criteria provided. Collection method: clinical testing. Allele origin: germline. Not counted in ClinVar's aggregate classification.

NM_138694.4(PKHD1):c.1748G>A (p.Cys583Tyr)

Gene: PKHD1 (PKHD1 ciliary IPT domain containing fibrocystin/polyductin; minus strand). Cytogenetic location: 6p12.2.
Variant type: single nucleotide variant.
Coding change: c.1748G>A on transcript NM_138694.4 (MANE Select); coding-DNA position 1748, G replaced by A.
Protein change: p.Cys583Tyr; replaces cysteine 583 with tyrosine.
Molecular consequence: missense variant.
Genome position (GRCh38, 1-based): chr6:52,055,675, C>T on the plus strand (G>A on the coding strand, the complement: PKHD1 is on the minus strand). VCF-style: chr6-52055675-C-T. GRCh37 (hg19) VCF-style: chr6-51920473-C-T.
Other names: c.1748G>A, p.Cys583Tyr (NM_170724.3); short protein forms C583Y.
Identifiers: ClinVar variation 654032 (VCV000654032.23), dbSNP rs369292828, ClinGen allele CA138916092.